The following is an entry in ClinVar:

ClinVar aggregate classification (germline): Uncertain significance. Review status: reviewed by expert panel (3 of 4 stars). 4 submissions from 4 submitters: Uncertain significance (1). 3 of the submissions do not count toward it. Last evaluated 2024-07-17.

Conditions:
Inborn genetic diseases. Identifiers: MedGen C0950123, MeSH D030342.
Acute myeloid leukemia (AML). Also called: Leukemia, acute myeloid, somatic; Leukemia, acute myelogenous, somatic; Acute myeloid leukemia, adult; AML adult; Acute non-lymphocytic leukemia; Acute granulocytic leukemia. Identifiers: Orphanet 519, MedGen C0023467, MeSH D015470, MONDO:0018874, OMIM 601626, HP:0004808. Disease mechanism: Constitutively activated FLT3.
Hereditary thrombocytopenia and hematological cancer predisposition syndrome associated with RUNX1. Also called: Familial thrombocytopenia with propensity to acute myelogenous leukemia; RUNX1 Familial Platelet Disorder with Associated Myeloid Malignancies; Familial Platelet Disorder with Propensity to Acute Myelogenous Leukemia; PLATELET DISORDER, ASPIRIN-LIKE. Identifiers: Orphanet 71290, MedGen C1832388, MeSH C563324, MONDO:0100083, OMIM 601399.

Allele frequency attached by ClinVar (database versions not stated): gnomAD exomes below 0.00001; TOPMed 0.00001.

Submissions (4):

ClinGen Myeloid Malignancy Variant Curation Expert Panel
Classification: Uncertain significance for Hereditary thrombocytopenia and hematological cancer predisposition syndrome associated with RUNX1. Last evaluated: 2024-07-17. Review status: reviewed by expert panel. Criteria: ClinGen MyeloMalig ACMG Specifications v2. Collection method: curation. Allele origin: germline. Inheritance: Autosomal dominant inheritance.
Comment: NM_001754.5(RUNX1):c.70G>A (p.Gly24Arg) is a missense variant which does not meet any ACMG/AMP criteria. In summary, the clinical significance of this variant is uncertain. ACMG/AMP criteria applied, as specified by the Myeloid Malignancy Variant Curation Expert Panel for RUNX1: None.

Ambry Genetics
Classification: Uncertain significance for Inborn genetic diseases. Last evaluated: 2025-08-05. Review status: criteria provided, single submitter. Criteria: Ambry Variant Classification Scheme 2023. Collection method: clinical testing. Allele origin: germline. Not counted in ClinVar's aggregate classification.
Comment: The p.G24R variant (also known as c.70G>A), located in coding exon 2 of the RUNX1 gene, results from a G to A substitution at nucleotide position 70. The glycine at codon 24 is replaced by arginine, an amino acid with dissimilar properties. This amino acid position is well conserved in available vertebrate species. In addition, the in silico prediction for this alteration is inconclusive. Based on the available evidence, the clinical significance of this variant remains unclear.

Labcorp Genetics (formerly Invitae), Labcorp
Classification: Uncertain significance for Hereditary thrombocytopenia and hematological cancer predisposition syndrome associated with RUNX1. Last evaluated: 2025-07-04. Review status: criteria provided, single submitter. Criteria: Invitae Variant Classification Sherloc (09022015). Collection method: clinical testing. Allele origin: germline. Not counted in ClinVar's aggregate classification.
Comment: This sequence change replaces glycine, which is neutral and non-polar, with arginine, which is basic and polar, at codon 24 of the RUNX1 protein (p.Gly24Arg). This variant is present in population databases (no rsID available, gnomAD 0.0009%). This variant has not been reported in the literature in individuals affected with RUNX1-related conditions. ClinVar contains an entry for this variant (Variation ID: 464003). An algorithm developed to predict the effect of missense changes on protein structure and function (PolyPhen-2) suggests that this variant is likely to be tolerated. Studies have shown this missense change is associated with skipping of exon 3, but one or more of the resulting mRNA isoform(s) may be naturally occurring (internal data). In summary, the available evidence is currently insufficient to determine the role of this variant in disease. Therefore, it has been classified as a Variant of Uncertain Significance.

Baylor Genetics
Classification: Uncertain significance for Acute myeloid leukemia. Last evaluated: 2023-10-08. Review status: criteria provided, single submitter. Criteria: ACMG Guidelines, 2015. Collection method: clinical testing. Allele origin: unknown. Not counted in ClinVar's aggregate classification.

NM_001754.5(RUNX1):c.70G>A (p.Gly24Arg)

Gene: RUNX1 (RUNX family transcription factor 1; minus strand). Cytogenetic location: 21q22.12.
Variant type: single nucleotide variant.
Coding change: c.70G>A on transcript NM_001754.5 (MANE Select); coding-DNA position 70, G replaced by A.
Protein change: p.Gly24Arg; replaces glycine 24 with arginine.
Molecular consequence: missense variant.
Genome position (GRCh38, 1-based): chr21:34,892,952, C>T on the plus strand (G>A on the coding strand, the complement: RUNX1 is on the minus strand). VCF-style: chr21-34892952-C-T. GRCh37 (hg19) VCF-style: chr21-36265249-C-T.
Other names: NM_001754.5(RUNX1):c.70G>A; p.Gly24Arg; short protein forms G24R.
Identifiers: ClinVar variation 464003 (VCV000464003.16), dbSNP rs1399187182, ClinGen allele CA410205754.